The following is an entry in ClinVar:

ClinVar aggregate classification (germline): Uncertain significance. Review status: criteria provided, multiple submitters, no conflicts (2 of 4 stars). 5 submissions from 5 submitters: Uncertain significance (4). 1 of the submissions does not count toward it. Last evaluated 2025-08-18.

Conditions:
Donnai-Barrow syndrome. Also called: DBS/FOAR SYNDROME; FACIOOCULOACOUSTICORENAL SYNDROME. Identifiers: Orphanet 2143, MedGen C1857277, MONDO:0009104, OMIM 222448.
Intellectual disability. Also called: intellectual disabilities; Intellectual developmental disorder; Intellectual functioning disability. Identifiers: MedGen C3714756, MeSH D008607, MONDO:0001071, HP:0001249.

Allele frequency attached by ClinVar (database versions not stated): gnomAD 0.00008 and 0.00009; gnomAD exomes 0.00005; TOPMed 0.00005; ESP Exome Variant Server 0.00008; ExAC 0.00004.
gnomAD v4.1: 87 of 1,614,156 alleles (0.0054%); highest among the groups gnomAD compares: African/African-American, 0.019%; no homozygotes.

Submissions (5):

Labcorp Genetics (formerly Invitae), Labcorp
Classification: Uncertain significance. Last evaluated: 2025-08-18. Review status: criteria provided, single submitter. Criteria: Invitae Variant Classification Sherloc (09022015). Collection method: clinical testing. Allele origin: germline.
Comment: This sequence change replaces arginine, which is basic and polar, with histidine, which is basic and polar, at codon 2505 of the LRP2 protein (p.Arg2505His). This variant is present in population databases (rs371708810, gnomAD 0.02%). This variant has not been reported in the literature in individuals affected with LRP2-related conditions. ClinVar contains an entry for this variant (Variation ID: 975595). Invitae Evidence Modeling of protein sequence and biophysical properties (such as structural, functional, and spatial information, amino acid conservation, physicochemical variation, residue mobility, and thermodynamic stability) indicates that this missense variant is not expected to disrupt LRP2 protein function with a negative predictive value of 95%. In summary, the available evidence is currently insufficient to determine the role of this variant in disease. Therefore, it has been classified as a Variant of Uncertain Significance.

Fulgent Genetics
Classification: Uncertain significance for Donnai-Barrow syndrome. Last evaluated: 2024-03-03. Review status: criteria provided, single submitter. Criteria: ACMG Guidelines, 2015. Collection method: clinical testing. Allele origin: germline.

New York Genome Center
Classification: Uncertain significance for Donnai-Barrow syndrome. Last evaluated: 2021-05-14. Review status: criteria provided, single submitter. Criteria: NYGC Assertion Criteria 2020. Collection method: clinical testing. Allele origin: germline. Observed: 1 heterozygote. Study: CSER-NYCKidSeq.

GeneDx
Classification: Uncertain significance. Last evaluated: 2020-10-30. Review status: criteria provided, single submitter. Criteria: GeneDx Variant Classification Process June 2021. Collection method: clinical testing. Allele origin: germline. Affected: yes.
Comment: In silico analysis supports that this missense variant does not alter protein structure/function; Has not been previously published as pathogenic or benign to our knowledge

Centre de Biologie Pathologie Génétique, Centre Hospitalier Universitaire de Lille
Classification: Likely benign for Intellectual disability. Last evaluated: 2019-01-01. Review status: no assertion criteria provided. Collection method: clinical testing. Allele origin: inherited. Affected: yes. Not counted in ClinVar's aggregate classification.

NM_004525.3(LRP2):c.7514G>A (p.Arg2505His)

Gene: LRP2 (LDL receptor related protein 2; minus strand). Cytogenetic location: 2q31.1.
Variant type: single nucleotide variant.
Coding change: c.7514G>A on transcript NM_004525.3 (MANE Select); coding-DNA position 7514, G replaced by A.
Protein change: p.Arg2505His; replaces arginine 2505 with histidine.
Molecular consequence: missense variant.
Genome position (GRCh38, 1-based): chr2:169,206,065, C>T on the plus strand (G>A on the coding strand, the complement: LRP2 is on the minus strand). VCF-style: chr2-169206065-C-T. GRCh37 (hg19) VCF-style: chr2-170062575-C-T.
Other names: short protein forms R2505H.
Identifiers: ClinVar variation 975595 (VCV000975595.10), dbSNP rs371708810, ClinGen allele CA1954080.